The following is an entry in ClinVar:

NM_000157.4(GBA1):c.330del (p.Glu111fs)

Genes: GBA1 (glucosylceramidase beta 1; minus strand), LOC106627981 (GBA recombination region; plus strand). Cytogenetic location: 1q22.
Variant type: Deletion.
Coding change: c.330del on transcript NM_000157.4 (MANE Select); coding-DNA position 330, one base deleted (A; older notation c.330delA).
Protein change: p.Glu111fs; shifts the reading frame from glutamic acid 111.
Molecular consequence: frameshift variant. On other transcripts: intron variant (1).
Genome position (GRCh38, 1-based): chr1:155,239,740, T deleted on the plus strand (A on the coding strand, the reverse complement: GBA1 is on the minus strand). VCF-style (leftmost placement, unchanged base first): chr1-155239739-CT-C. GRCh37 (hg19) VCF-style: chr1-155209530-CT-C.
Other names: c.330del, p.Glu111fs (NM_001005741.3, NM_001005742.3); c.69del, p.Glu24fs (NM_001171811.2); c.307+146del (NM_001171812.2); short protein forms E111fs, E24fs.
Identifiers: ClinVar variation 4817750 (VCV004817750.1).

ClinVar aggregate classification (germline): Pathogenic (1 of 4 stars; one submission).

Conditions:
Gaucher disease. Also called: Acute cerebral Gaucher disease; Cerebroside lipidosis syndrome; Gaucher splenomegaly; Sphingolipidosis 1; Glucocerebrosidosis; Glucosylceramidase deficiency. Identifiers: Orphanet 355, MedGen C0017205, MONDO:0018150.

Submission:

Natera, Inc.
Classification: Pathogenic for Gaucher disease. Last evaluated: 2025-03-26. Review status: criteria provided, single submitter. Criteria: Natera Variant Classification Schema (03/2026). Collection method: clinical testing. Allele origin: germline.
Comment: The c.330delA variant in GBA1 is a frameshift variant predicted to shift the reading frame beginning at codon 111 and leads to a stop codon 7 codons downstream. This variant is expected to result in nonsense mediated decay, truncation, or a dysfunctional protein product. This variant is rare in the general population with a frequency below the threshold expected for the associated phenotype(s). This variant has been observed in one or more individuals affected with the associated recessive disease, as either homozygous or compound heterozygous with a second variant (PMID: 27836528). Given the available evidence, this variant is classified as Pathogenic.

Literature cited by the submitters: PubMed 27836528.